The following is an entry in ClinVar:

ClinVar aggregate classification (germline): Uncertain significance (1 of 4 stars; one submission).

gnomAD v4.1: 1 of 1,612,584 alleles (0.000062%); no homozygotes.

Submission:

CeGaT Center for Human Genetics Tuebingen
Classification: Uncertain significance. Last evaluated: 2022-09-01. Review status: criteria provided, single submitter. Criteria: CeGaT Center For Human Genetics Tuebingen Variant Classification Criteria Version 2. Collection method: clinical testing. Allele origin: germline. Affected: yes. Observed: 1 variant allele.
Comment: HCN1: PM2, PP2

NM_021072.4(HCN1):c.386C>T (p.Thr129Ile)

Gene: HCN1 (hyperpolarization activated cyclic nucleotide gated potassium channel 1; minus strand). Cytogenetic location: 5p12.
Variant type: single nucleotide variant.
Coding change: c.386C>T on transcript NM_021072.4 (MANE Select); coding-DNA position 386, C replaced by T.
Protein change: p.Thr129Ile; replaces threonine 129 with isoleucine.
Molecular consequence: missense variant.
Genome position (GRCh38, 1-based): chr5:45,695,708, G>A on the plus strand (C>T on the coding strand, the complement: HCN1 is on the minus strand). VCF-style: chr5-45695708-G-A. GRCh37 (hg19) VCF-style: chr5-45695810-G-A.
Other names: short protein forms T129I.
Identifiers: ClinVar variation 2655458 (VCV002655458.24), dbSNP rs2478643562, ClinGen allele CA359706123.
Genomic context (GRCh38, chr5:45,695,708, plus strand): 5'-GCGGCGACCGGGAGCCCTCACCTGAAATCACTGTAAGGGTGGATAATCCAGAAGCCTGCA[G>A]TTTTAACCCTTTCCTGCTCCTTTTCCACCGCCTTCTGGCTCCCAAACATGCGGAGGGAGA-3'
Protein context (NP_066550.2, residues 119-139): AVEKEQERVK[Thr129Ile]AGFWIIHPYS